The following is an entry in ClinVar:

ClinVar aggregate classification (germline): Uncertain significance. Review status: criteria provided, multiple submitters, no conflicts (2 of 4 stars). 2 submissions from 2 submitters: Uncertain significance (2). Last evaluated 2025-10-21.

Conditions:
Hereditary cancer-predisposing syndrome. Also called: Tumor predisposition; Hereditary neoplastic syndrome; Neoplastic Syndromes, Hereditary; Hereditary Cancer Syndrome. Identifiers: Orphanet 140162, MedGen C0027672, MeSH D009386, MONDO:0015356.

Allele frequency attached by ClinVar (database versions not stated): gnomAD exomes below 0.00001 and 0.00001; ExAC 0.00001; ESP Exome Variant Server 0.00008.
gnomAD v4.1: 3 of 1,602,930 alleles (0.00019%); highest among the groups gnomAD compares: Non-Finnish European, 0.00017%; no homozygotes.

Submissions (2):

Ambry Genetics
Classification: Uncertain significance for Hereditary cancer-predisposing syndrome. Last evaluated: 2025-10-21. Review status: criteria provided, single submitter. Criteria: Ambry Variant Classification Scheme 2023. Collection method: clinical testing. Allele origin: germline.
Comment: The c.140-3C>T intronic variant results from a C to T substitution 3 nucleotides upstream from coding exon 2 in the NTHL1 gene. This nucleotide position is highly conserved in available vertebrate species. In silico splice site analysis predicts that this alteration will not have any significant effect on splicing. Based on the available evidence, the clinical significance of this variant remains unclear.

Labcorp Genetics (formerly Invitae), Labcorp
Classification: Uncertain significance. Last evaluated: 2023-04-07. Review status: criteria provided, single submitter. Criteria: Invitae Variant Classification Sherloc (09022015). Collection method: clinical testing. Allele origin: germline.
Comment: This sequence change falls in intron 1 of the NTHL1 gene. It does not directly change the encoded amino acid sequence of the NTHL1 protein. It affects a nucleotide within the consensus splice site. In summary, the available evidence is currently insufficient to determine the role of this variant in disease. Therefore, it has been classified as a Variant of Uncertain Significance. Variants that disrupt the consensus splice site are a relatively common cause of aberrant splicing (PMID: 17576681, 9536098). Algorithms developed to predict the effect of sequence changes on RNA splicing suggest that this variant is not likely to affect RNA splicing. ClinVar contains an entry for this variant (Variation ID: 819096). This variant has not been reported in the literature in individuals affected with NTHL1-related conditions. This variant is present in population databases (rs370654050, gnomAD 0.005%).

Literature cited by the submitters: PubMed 17576681 (cited by Labcorp Genetics (formerly Invitae), Labcorp); PubMed 9536098 (cited by Labcorp Genetics (formerly Invitae), Labcorp).

NM_002528.7(NTHL1):c.116-3C>T

Gene: NTHL1 (nth like DNA glycosylase 1; minus strand). Cytogenetic location: 16p13.3.
Variant type: single nucleotide variant.
Coding change: c.116-3C>T on transcript NM_002528.7 (MANE Select); 3 bases into the intron before coding-DNA position 116, C replaced by T.
Molecular consequence: intron variant.
Genome position (GRCh38, 1-based): chr16:2,046,369, G>A on the plus strand (C>T on the coding strand, the complement: NTHL1 is on the minus strand). VCF-style: chr16-2046369-G-A. GRCh37 (hg19) VCF-style: chr16-2096370-G-A.
Other names: c.-63-3C>T (NM_001318194.2); c.116-3C>T (NM_001318193.2).
Identifiers: ClinVar variation 819096 (VCV000819096.8), dbSNP rs370654050, ClinGen allele CA7828362.